The following is an entry in ClinVar:

ClinVar aggregate classification (germline): Uncertain significance (1 of 4 stars; one submission).

Conditions:
Hereditary cancer-predisposing syndrome. Also called: Hereditary neoplastic syndrome; Hereditary Cancer Syndrome; Neoplastic Syndromes, Hereditary; Tumor predisposition. Identifiers: Orphanet 140162, MedGen C0027672, MeSH D009386, MONDO:0015356.

Allele frequency attached by ClinVar (database versions not stated): gnomAD exomes below 0.00001.
gnomAD v4.1: 1 of 1,613,772 alleles (0.000062%); highest among the groups gnomAD compares: Non-Finnish European, 0.000085%; no homozygotes.

Submission:

Ambry Genetics
Classification: Uncertain significance for Hereditary cancer-predisposing syndrome. Last evaluated: 2023-05-02. Review status: criteria provided, single submitter. Criteria: Ambry Variant Classification Scheme 2023. Collection method: clinical testing. Allele origin: germline.
Comment: The p.R2521I variant (also known as c.7562G>T), located in coding exon 15 of the APC gene, results from a G to T substitution at nucleotide position 7562. The arginine at codon 2521 is replaced by isoleucine, an amino acid with similar properties. This amino acid position is conserved. In addition, in silico predictors for this gene do not accurately predict pathogenicity. Since supporting evidence is limited at this time, the clinical significance of this alteration remains unclear.

NM_000038.6(APC):c.7562G>T (p.Arg2521Ile)

Gene: APC (APC regulator of Wnt signaling pathway; plus strand). Cytogenetic location: 5q22.2.
Variant type: single nucleotide variant.
Coding change: c.7562G>T on transcript NM_000038.6 (MANE Select); coding-DNA position 7562, G replaced by T.
Protein change: p.Arg2521Ile; replaces arginine 2521 with isoleucine.
Molecular consequence: missense variant. On other transcripts: non-coding transcript variant (2).
Genome position (GRCh38, 1-based): chr5:112,843,156, G>T. VCF-style: chr5-112843156-G-T. GRCh37 (hg19) VCF-style: chr5-112178853-G-T.
Other names: c.7562G>T, p.Arg2521Ile (NM_001127510.3, NM_001354895.2, NM_001407450.1); c.7508G>T, p.Arg2503Ile (NM_001127511.3); c.7616G>T, p.Arg2539Ile (NM_001354896.2, NM_001407447.1, NM_001407448.1 and 1 more transcripts); c.7592G>T, p.Arg2531Ile (NM_001354897.2); c.7487G>T, p.Arg2496Ile (NM_001354898.2); c.7478G>T, p.Arg2493Ile (NM_001354899.2); c.7439G>T, p.Arg2480Ile (NM_001354900.2); c.7385G>T, p.Arg2462Ile (NM_001354901.2, NM_001407453.1); and 11 more; short protein forms R2238I, R2503I, R2531I, R2361I, R2438I, R2462I, R2549I, R2137I.
Identifiers: ClinVar variation 2567015 (VCV002567015.2), dbSNP rs2149989656, ClinGen allele CA16037769.